The following is an entry in ClinVar:

NM_018051.5(DYNC2I1):c.2257+5del

Gene: DYNC2I1 (dynein 2 intermediate chain 1; plus strand). Cytogenetic location: 7q36.3.
Variant type: Deletion.
Coding change: c.2257+5del on transcript NM_018051.5 (MANE Select); 5 bases into the intron after coding-DNA position 2257, one base deleted (G; older notation c.2257+5delG).
Molecular consequence: intron variant.
Genome position (GRCh38, 1-based): chr7:158,923,738, G deleted. VCF-style (leftmost placement, unchanged base first): chr7-158923737-AG-A. GRCh37 (hg19) VCF-style: chr7-158716428-AG-A.
Other names: c.2119+5del (NM_001350914.2); c.1009+5del (NM_001350918.2, NM_001350917.2); c.796+5del (NM_001350916.2); c.1684+5del (NM_001350915.2).
Identifiers: ClinVar variation 1680708 (VCV001680708.6), dbSNP rs1849333929, ClinGen allele CA1756376671.

ClinVar aggregate classification (germline): Uncertain significance (1 of 4 stars; one submission).

Conditions:
Short-rib thoracic dysplasia 8 with or without polydactyly (SRTD8). Also called: SHORT-RIB THORACIC DYSPLASIA 8 WITH POLYDACTYLY. Identifiers: Orphanet 93271, MedGen C3809691, MONDO:0014214, OMIM 615503.

Allele frequency attached by ClinVar (database versions not stated): gnomAD exomes below 0.00001.

Submission:

Labcorp Genetics (formerly Invitae), Labcorp
Classification: Uncertain significance for Short-rib thoracic dysplasia 8 with or without polydactyly. Last evaluated: 2025-02-03. Review status: criteria provided, single submitter. Criteria: Invitae Variant Classification Sherloc (09022015). Collection method: clinical testing. Allele origin: germline.
Comment: This sequence change falls in intron 17 of the WDR60 gene. It does not directly change the encoded amino acid sequence of the WDR60 protein. It affects a nucleotide within the consensus splice site. This variant is not present in population databases (gnomAD no frequency). This variant has not been reported in the literature in individuals affected with WDR60-related conditions. ClinVar contains an entry for this variant (Variation ID: 1680708). Variants that disrupt the consensus splice site are a relatively common cause of aberrant splicing (PMID: 17576681, 9536098). Algorithms developed to predict the effect of sequence changes on RNA splicing suggest that this variant may disrupt the consensus splice site. In summary, the available evidence is currently insufficient to determine the role of this variant in disease. Therefore, it has been classified as a Variant of Uncertain Significance.

Literature cited by the submitters: PubMed 17576681; PubMed 9536098.